The following is an entry in ClinVar:

ClinVar aggregate classification (germline): Uncertain significance (1 of 4 stars; one submission).

Conditions:
Emery-Dreifuss muscular dystrophy 5, autosomal dominant (EDMD5). Also called: EMERY-DREIFUSS MUSCULAR DYSTROPHY 5. Identifiers: Orphanet 261, MedGen C2751805, MONDO:0013072, OMIM 612999.

Allele frequency attached by ClinVar (database versions not stated): gnomAD exomes below 0.00001; TOPMed below 0.00001.
gnomAD v4.1: 1 of 1,614,152 alleles (0.000062%); highest among the groups gnomAD compares: Admixed American, 0.0017%; no homozygotes.

Submission:

Labcorp Genetics (formerly Invitae), Labcorp
Classification: Uncertain significance for Emery-Dreifuss muscular dystrophy 5, autosomal dominant. Last evaluated: 2022-06-05. Review status: criteria provided, single submitter. Criteria: Invitae Variant Classification Sherloc (09022015). Collection method: clinical testing. Allele origin: germline.
Comment: This variant has not been reported in the literature in individuals affected with SYNE2-related conditions. In summary, the available evidence is currently insufficient to determine the role of this variant in disease. Therefore, it has been classified as a Variant of Uncertain Significance. Algorithms developed to predict the effect of sequence changes on RNA splicing suggest that this variant may create or strengthen a splice site. Algorithms developed to predict the effect of missense changes on protein structure and function output the following: SIFT: "Tolerated"; PolyPhen-2: "Benign"; Align-GVGD: "Class C0". The arginine amino acid residue is found in multiple mammalian species, which suggests that this missense change does not adversely affect protein function. ClinVar contains an entry for this variant (Variation ID: 1378552). This variant is present in population databases (no rsID available, gnomAD 0.003%). This sequence change replaces lysine, which is basic and polar, with arginine, which is basic and polar, at codon 3377 of the SYNE2 protein (p.Lys3377Arg).

NM_182914.3(SYNE2):c.10130A>G (p.Lys3377Arg)

Gene: SYNE2 (spectrin repeat containing nuclear envelope protein 2; plus strand). Cytogenetic location: 14q23.2.
Variant type: single nucleotide variant.
Coding change: c.10130A>G on transcript NM_182914.3 (MANE Select); coding-DNA position 10130, A replaced by G.
Protein change: p.Lys3377Arg; replaces lysine 3377 with arginine.
Molecular consequence: missense variant.
Genome position (GRCh38, 1-based): chr14:64,062,813, A>G. VCF-style: chr14-64062813-A-G. GRCh37 (hg19) VCF-style: chr14-64529531-A-G.
Other names: c.10130A>G, p.Lys3377Arg (NM_015180.6); short protein forms K3377R.
Identifiers: ClinVar variation 1378552 (VCV001378552.6), dbSNP rs1182521156, ClinGen allele CA389990556.